The following is an entry in ClinVar:

NM_000170.3(GLDC):c.2070_2071del (p.Asn691fs)

Gene: GLDC (glycine decarboxylase; minus strand). Cytogenetic location: 9p24.1.
Variant type: Microsatellite.
Coding change: c.2070_2071del on transcript NM_000170.3 (MANE Select); coding-DNA positions 2070 to 2071, 2 bases deleted (GA; older notation c.2070_2071delGA).
Protein change: p.Asn691fs; shifts the reading frame from asparagine 691.
Molecular consequence: frameshift variant.
Genome position (GRCh38, 1-based): chr9:6,556,284-6,556,285, TC deleted on the plus strand (GA on the coding strand, the reverse complement: GLDC is on the minus strand); deleting any 2 consecutive bases within chr9:6,556,284-6,556,287 gives the same sequence; the c. name uses the placement nearest the transcript's 3' end. VCF-style (leftmost placement, unchanged base first): chr9-6556283-TTC-T. GRCh37 (hg19) VCF-style: chr9-6556283-TTC-T.
Other names: short protein forms N691fs.
Identifiers: ClinVar variation 5011525 (VCV005011525.1).

ClinVar aggregate classification (germline): Pathogenic (1 of 4 stars; one submission).

Conditions:
Glycine encephalopathy 1 (GCE1). Identifiers: MedGen CN376801, MONDO:0958179, OMIM 605899.

Submission:

Myriad Genetics, Inc.
Classification: Pathogenic for Glycine encephalopathy 1. Last evaluated: 2023-09-03. Review status: criteria provided, single submitter. Criteria: Myriad Autosomal Dominant, Autosomal Recessive and X-Linked Classification Criteria (2023). Collection method: clinical testing. Allele origin: unknown.
Comment: NM_000170.2(GLDC):c.2070_2071delGA(N691Pfs*16) is expected to be pathogenic in the context of glycine encephalopathy, GLDC-related. This variant is predicted to lead to an abnormal or absent protein product due to the creation of a premature termination codon in GLDC, a gene where loss-of-function variants are known to be pathogenic. Please note: this variant was assessed in the context of healthy population screening.